The following is an entry in ClinVar:

ClinVar aggregate classification (germline): Uncertain significance (1 of 4 stars; one submission).

Conditions:
Inborn genetic diseases. Identifiers: MedGen C0950123, MeSH D030342.

Submission:

Ambry Genetics
Classification: Uncertain significance for Inborn genetic diseases. Last evaluated: 2024-12-25. Review status: criteria provided, single submitter. Criteria: Ambry Variant Classification Scheme 2023. Collection method: clinical testing. Allele origin: germline.
Comment: The p.P924S variant (also known as c.2770C>T), located in coding exon 13 of the ASXL1 gene, results from a C to T substitution at nucleotide position 2770. The proline at codon 924 is replaced by serine, an amino acid with similar properties. This amino acid position is conserved. In addition, this alteration is predicted to be tolerated by in silico analysis. Based on the available evidence, the clinical significance of this variant remains unclear.

NM_015338.6(ASXL1):c.2770C>T (p.Pro924Ser)

Gene: ASXL1 (ASXL transcriptional regulator 1; plus strand). Cytogenetic location: 20q11.21.
Variant type: single nucleotide variant.
Coding change: c.2770C>T on transcript NM_015338.6 (MANE Select); coding-DNA position 2770, C replaced by T.
Protein change: p.Pro924Ser; replaces proline 924 with serine.
Molecular consequence: missense variant.
Genome position (GRCh38, 1-based): chr20:32,435,482, C>T. VCF-style: chr20-32435482-C-T. GRCh37 (hg19) VCF-style: chr20-31023285-C-T.
Other names: c.2587C>T, p.Pro863Ser (NM_001363734.1); short protein forms P863S, P924S.
Identifiers: ClinVar variation 3791633 (VCV003791633.1).